The following is an entry in ClinVar:

ClinVar aggregate classification (germline): Uncertain significance (1 of 4 stars; one submission).

Submission:

Women's Health and Genetics/Laboratory Corporation of America, LabCorp
Classification: Uncertain significance. Last evaluated: 2026-01-06. Review status: criteria provided, single submitter. Criteria: LabCorp Variant Classification Summary - May 2015. Collection method: clinical testing. Allele origin: germline.
Comment: Variant summary: PRRT2 c.205C>A (p.Pro69Thr) results in a non-conservative amino acid change in the encoded protein sequence. Algorithms developed to predict the effect of missense changes on protein structure and function are either unavailable or do not agree on the potential impact of this missense change. The variant was absent in 249258 control chromosomes. The available data on variant occurrences in the general population are insufficient to allow any conclusion about variant significance. To our knowledge, no occurrence of c.205C>A in individuals affected with PRRT2-related conditions and no experimental evidence demonstrating its impact on protein function have been reported. No submitters have cited clinical-significance assessments for this variant to ClinVar. Based on the evidence outlined above, the variant was classified as uncertain significance.

NM_145239.3(PRRT2):c.205C>A (p.Pro69Thr)

Genes: MVP-DT (MVP divergent transcript; minus strand), PRRT2 (proline rich transmembrane protein 2; plus strand). Cytogenetic location: 16p11.2.
Variant type: single nucleotide variant.
Coding change: c.205C>A on transcript NM_145239.3 (MANE Select); coding-DNA position 205, C replaced by A.
Protein change: p.Pro69Thr; replaces proline 69 with threonine.
Molecular consequence: missense variant.
Genome position (GRCh38, 1-based): chr16:29,813,259, C>A. VCF-style: chr16-29813259-C-A. GRCh37 (hg19) VCF-style: chr16-29824580-C-A.
Other names: c.205C>A, p.Pro69Thr (NM_001256442.2, NM_001256443.2, NM_001438120.1 and 2 more transcripts); short protein forms P69T.
Identifiers: ClinVar variation 4689623 (VCV004689623.1).